The following is an entry in ClinVar:

ClinVar aggregate classification (germline): Conflicting classifications of pathogenicity. Review status: criteria provided, conflicting classifications (1 of 4 stars). 2 submissions from 2 submitters: Uncertain significance (1); Likely benign (1). Last evaluated 2026-05-15.

Conditions:
Hereditary cancer-predisposing syndrome. Also called: Hereditary neoplastic syndrome; Neoplastic Syndromes, Hereditary; Tumor predisposition; Hereditary Cancer Syndrome. Identifiers: Orphanet 140162, MedGen C0027672, MeSH D009386, MONDO:0015356.
Hereditary diffuse gastric adenocarcinoma (HDGC). Also called: DIFFUSE GASTRIC AND LOBULAR BREAST CANCER SYNDROME. Identifiers: Orphanet 26106, MedGen C1708349, MONDO:0007648, OMIM 137215.

Submissions (2):

Ambry Genetics
Classification: Likely benign for Hereditary cancer-predisposing syndrome. Last evaluated: 2026-05-15. Review status: criteria provided, single submitter. Criteria: Ambry Variant Classification Scheme 2023. Collection method: clinical testing. Allele origin: germline.

Labcorp Genetics (formerly Invitae), Labcorp
Classification: Uncertain significance for Hereditary diffuse gastric adenocarcinoma. Last evaluated: 2025-09-27. Review status: criteria provided, single submitter. Criteria: Invitae Variant Classification Sherloc (09022015). Collection method: clinical testing. Allele origin: germline.
Comment: This sequence change replaces valine, which is neutral and non-polar, with methionine, which is neutral and non-polar, at codon 430 of the CDH1 protein (p.Val430Met). This variant is not present in population databases (gnomAD no frequency). This variant has not been reported in the literature in individuals affected with CDH1-related conditions. ClinVar contains an entry for this variant (Variation ID: 2837664). An algorithm developed to predict the effect of missense changes on protein structure and function (PolyPhen-2) suggests that this variant is likely to be tolerated. In summary, the available evidence is currently insufficient to determine the role of this variant in disease. Therefore, it has been classified as a Variant of Uncertain Significance.

NM_004360.5(CDH1):c.1288G>A (p.Val430Met)

Gene: CDH1 (cadherin 1; plus strand). Cytogenetic location: 16q22.1.
Variant type: single nucleotide variant.
Coding change: c.1288G>A on transcript NM_004360.5 (MANE Select); coding-DNA position 1288, G replaced by A.
Protein change: p.Val430Met; replaces valine 430 with methionine.
Molecular consequence: missense variant. On other transcripts: 5 prime UTR variant (2), intron variant (1).
Genome position (GRCh38, 1-based): chr16:68,813,463, G>A. VCF-style: chr16-68813463-G-A. GRCh37 (hg19) VCF-style: chr16-68847366-G-A.
Other names: c.-328G>A (NM_001317185.2); c.-532G>A (NM_001317186.2); c.1137+1200G>A (NM_001317184.2); short protein forms V430M.
Identifiers: ClinVar variation 2837664 (VCV002837664.5), dbSNP rs1960899829, ClinGen allele CA396461781.